The following is an entry in ClinVar:

ClinVar aggregate classification (germline): Uncertain significance (1 of 4 stars; one submission).

Submission:

GeneDx
Classification: Uncertain significance. Last evaluated: 2025-05-22. Review status: criteria provided, single submitter. Criteria: GeneDx Variant Classification Process June 2021. Collection method: clinical testing. Allele origin: germline. Affected: yes.
Comment: Not observed at significant frequency in large population cohorts (gnomAD); In silico analysis suggests that this missense variant does not alter protein structure/function; Has not been previously published as pathogenic or benign to our knowledge

NM_001136157.2(OTUD5):c.103G>A (p.Gly35Ser)

Gene: OTUD5 (OTU deubiquitinase 5; minus strand). Cytogenetic location: Xp11.23.
Variant type: single nucleotide variant.
Coding change: c.103G>A on transcript NM_001136157.2 (MANE Select); coding-DNA position 103, G replaced by A.
Protein change: p.Gly35Ser; replaces glycine 35 with serine.
Molecular consequence: missense variant. On other transcripts: intron variant (1).
Genome position (GRCh38, 1-based): chrX:48,957,468, C>T on the plus strand (G>A on the coding strand, the complement: OTUD5 is on the minus strand). VCF-style: chrX-48957468-C-T. GRCh37 (hg19) VCF-style: chrX-48814730-C-T.
Other names: c.103G>A, p.Gly35Ser (NM_001136158.2, NM_017602.4); c.-58+764G>A (NM_001136159.2); short protein forms G35S.
Identifiers: ClinVar variation 4532499 (VCV004532499.1).
Genomic context (GRCh38, chrX:48,957,468, plus strand): 5'-CGGAGTCACGGTCGCGATCGCCGCCGCCCACGCCCGTGCCGCCGCCGCCCACGCCCACAC[C>T]TCCGCCGCGCCGCGGCGCCGGGGGCATCGGCCCGGGCGGCGGCGGCTCGTTGGCGGGGTC-3'
Protein context (NP_001129629.1, residues 25-45): PMPPAPRRGG[Gly35Ser]VGVGGGGTGV